The following is an entry in ClinVar:

NM_020207.7(ERCC6L2):c.1876G>A (p.Val626Ile)

Gene: ERCC6L2 (ERCC excision repair 6 like 2; plus strand). Cytogenetic location: 9q22.32.
Variant type: single nucleotide variant.
Coding change: c.1876G>A on transcript NM_020207.7 (MANE Select); coding-DNA position 1876, G replaced by A.
Protein change: p.Val626Ile; replaces valine 626 with isoleucine.
Molecular consequence: missense variant. On other transcripts: non-coding transcript variant (1).
Genome position (GRCh38, 1-based): chr9:95,955,942, G>A. VCF-style: chr9-95955942-G-A. GRCh37 (hg19) VCF-style: chr9-98718224-G-A.
Other names: c.1876G>A, p.Val626Ile (NM_001010895.4, NM_001375291.1, NM_001375292.1 and 2 more transcripts); short protein forms V626I.
Identifiers: ClinVar variation 3845922 (VCV003845922.1).

ClinVar aggregate classification (germline): Uncertain significance (1 of 4 stars; one submission).

Conditions:
Inborn genetic diseases. Identifiers: MedGen C0950123, MeSH D030342.

Submission:

Ambry Genetics
Classification: Uncertain significance for Inborn genetic diseases. Last evaluated: 2025-02-08. Review status: criteria provided, single submitter. Criteria: Ambry Variant Classification Scheme 2023. Collection method: clinical testing. Allele origin: germline.
Comment: The p.V626I variant (also known as c.1876G>A), located in coding exon 13 of the ERCC6L2 gene, results from a G to A substitution at nucleotide position 1876. The valine at codon 626 is replaced by isoleucine, an amino acid with highly similar properties. This amino acid position is conserved. In addition, the in silico prediction for this alteration is inconclusive. Based on the available evidence, the clinical significance of this variant remains unclear.